The following is an entry in ClinVar:

ClinVar aggregate classification (germline): Conflicting classifications of pathogenicity. Review status: criteria provided, conflicting classifications (1 of 4 stars). 5 submissions from 5 submitters: Uncertain significance (1); Benign (1); Likely benign (2). 1 of the submissions does not count toward it. Last evaluated 2026-01-11.

Conditions:
OFD1-related disorder. Also called: OFD1-related condition.
Joubert syndrome. Also called: JOUBERT-BOLTSHAUSER SYNDROME; Familial aplasia of the vermis. Identifiers: Orphanet 475, MedGen C5979921, MONDO:0018772.
Orofaciodigital syndrome I (OFD1). Also called: Papillon-Leage and Psaume Syndrome; Oral-Facial-Digital Syndrome Type I; OFDS I. Identifiers: Orphanet 2750, MedGen C1510460, MONDO:0010702, OMIM 311200.
Primary ciliary dyskinesia. Also called: Ciliary dyskinesia. Identifiers: Orphanet 244, MedGen C0008780, MONDO:0016575, HP:0012265.

Allele frequency attached by ClinVar (database versions not stated): gnomAD exomes 0.00003 and 0.00007; ExAC 0.00007; gnomAD 0.00040 and 0.00041; 1000 Genomes Project 30x 0.00042; TOPMed 0.00045; ESP Exome Variant Server 0.00047.
gnomAD v4.1: 73 of 1,169,575 alleles (0.0062%); highest among the groups gnomAD compares: African/African-American, 0.12%; no homozygotes.

Submissions (5):

Labcorp Genetics (formerly Invitae), Labcorp
Classification: Benign for Orofaciodigital syndrome I; Joubert syndrome. Last evaluated: 2026-01-11. Review status: criteria provided, single submitter. Criteria: Invitae Variant Classification Sherloc (09022015). Collection method: clinical testing. Allele origin: germline.

Blueprint Genetics
Classification: Likely benign. Last evaluated: 2022-07-13. Review status: criteria provided, single submitter. Criteria: ACMG Guidelines, 2015. Collection method: clinical testing. Allele origin: germline.

Ambry Genetics
Classification: Likely benign for Primary ciliary dyskinesia. Last evaluated: 2019-01-24. Review status: criteria provided, single submitter. Criteria: Ambry Variant Classification Scheme 2023. Collection method: clinical testing. Allele origin: germline.

Athena Diagnostics
Classification: Uncertain significance. Last evaluated: 2018-04-23. Review status: criteria provided, single submitter. Criteria: Athena Diagnostics Criteria. Collection method: clinical testing. Allele origin: germline.

PreventionGenetics, part of Exact Sciences
Classification: Likely benign for OFD1-related condition. Last evaluated: 2023-03-14. Review status: no assertion criteria provided. Collection method: clinical testing. Allele origin: germline. Not counted in ClinVar's aggregate classification.
Comment: This variant is classified as likely benign based on ACMG/AMP sequence variant interpretation guidelines (Richards et al. 2015 PMID: 25741868, with internal and published modifications).

Literature cited by the submitters: PubMed 26477546 (cited by Ambry Genetics).

NM_003611.3(OFD1):c.919G>A (p.Val307Ile)

Gene: OFD1 (OFD1 centriole and centriolar satellite protein; plus strand). Cytogenetic location: Xp22.2.
Variant type: single nucleotide variant.
Coding change: c.919G>A on transcript NM_003611.3 (MANE Select); coding-DNA position 919, G replaced by A.
Protein change: p.Val307Ile; replaces valine 307 with isoleucine.
Molecular consequence: missense variant.
Genome position (GRCh38, 1-based): chrX:13,749,517, G>A. VCF-style: chrX-13749517-G-A. GRCh37 (hg19) VCF-style: chrX-13767636-G-A.
Other names: c.919G>A, p.Val307Ile (NM_001330209.2); c.499G>A, p.Val167Ile (NM_001330210.2); short protein forms V307I, V167I.
Identifiers: ClinVar variation 586193 (VCV000586193.16), dbSNP rs139444990, ClinGen allele CA10351711.